The following is an entry in ClinVar:

NM_001082538.3(TCTN1):c.1666_1668dup (p.Ile556dup)

Gene: TCTN1 (tectonic family member 1; plus strand). Cytogenetic location: 12q24.11.
Variant type: Duplication.
Coding change: c.1666_1668dup on transcript NM_001082538.3 (MANE Select); coding-DNA positions 1666 to 1668, 3 bases duplicated (ATT; older notation c.1666_1668dupATT).
Protein change: p.Ile556dup; duplicates isoleucine 556.
Molecular consequence: inframe insertion. On other transcripts: non-coding transcript variant (1).
Genome position (GRCh38, 1-based): chr12:110,647,779-110,647,781, ATT duplicated; duplicating any 3 consecutive bases within chr12:110,647,777-110,647,781 gives the same sequence; the c. name uses the placement nearest the transcript's 3' end. VCF-style (leftmost placement, unchanged base first): chr12-110647776-C-CTTA. GRCh37 (hg19) VCF-style: chr12-111085581-C-CTTA.
Other names: c.1651_1653dup, p.Ile551dup (NM_001082537.3); c.1483_1485dup, p.Ile495dup (NM_001173975.3); c.1339_1341dup, p.Ile447dup (NM_001173976.2); c.1504_1506dup, p.Ile502dup (NM_001319680.2); c.1117_1119dup, p.Ile373dup (NM_001319681.2); c.1609_1611dup, p.Ile537dup (NM_024549.6); c.1666_1668dupATT (NM_001082538.2).
Identifiers: ClinVar variation 1378553 (VCV001378553.7), dbSNP rs773918437, ClinGen allele CA6786971.

ClinVar aggregate classification (germline): Conflicting classifications of pathogenicity. Review status: criteria provided, conflicting classifications (1 of 4 stars). 3 submissions from 3 submitters: Uncertain significance (2); Likely benign (1). Last evaluated 2026-01-12.

Conditions:
Inborn genetic diseases. Identifiers: MedGen C0950123, MeSH D030342.
Joubert syndrome. Also called: Familial aplasia of the vermis; JOUBERT-BOLTSHAUSER SYNDROME. Identifiers: Orphanet 475, MedGen C5979921, MONDO:0018772.
Meckel-Gruber syndrome. Also called: DYSENCEPHALIA SPLANCHNOCYSTICA; Dysencephalia splachnocystica; GRUBER SYNDROME. Identifiers: Orphanet 564, MedGen C0265215, MONDO:0018921.

Submissions (3):

Labcorp Genetics (formerly Invitae), Labcorp
Classification: Uncertain significance for Joubert syndrome; Meckel-Gruber syndrome. Last evaluated: 2026-01-12. Review status: criteria provided, single submitter. Criteria: Invitae Variant Classification Sherloc (09022015). Collection method: clinical testing. Allele origin: germline.
Comment: This variant, c.1666_1668dup, results in the insertion of 1 amino acid(s) of the TCTN1 protein (p.Ile556dup), but otherwise preserves the integrity of the reading frame. This variant is present in population databases (rs773918437, gnomAD 0.1%), including at least one homozygous and/or hemizygous individual. This variant has not been reported in the literature in individuals affected with TCTN1-related conditions. ClinVar contains an entry for this variant (Variation ID: 1378553). Experimental studies and prediction algorithms are not available or were not evaluated, and the functional significance of this variant is currently unknown. In summary, the available evidence is currently insufficient to determine the role of this variant in disease. Therefore, it has been classified as a Variant of Uncertain Significance.

Ambry Genetics
Classification: Uncertain significance for Inborn genetic diseases. Last evaluated: 2022-02-26. Review status: criteria provided, single submitter. Criteria: Ambry Variant Classification Scheme 2023. Collection method: clinical testing. Allele origin: germline.
Comment: The c.1666_1668dupATT (p.I556dup) alteration is located in exon 14 (coding exon 14) of the TCTN1 gene. The alteration consists of an in-frame duplication of 3 nucleotides from position 1666 to 1668, resulting in the duplication of 1 residue. Based on insufficient or conflicting evidence, the clinical significance of this alteration remains unclear.

Blueprint Genetics
Classification: Likely benign. Last evaluated: 2021-10-18. Review status: criteria provided, single submitter. Criteria: ACMG Guidelines, 2015. Collection method: clinical testing. Allele origin: germline.